The following is an entry in ClinVar:

ClinVar aggregate classification (germline): Likely benign (0 of 4 stars; one submission).

Conditions:
ITSN1-related disorder. Also called: ITSN1-related condition.

Allele frequency attached by ClinVar (database versions not stated): gnomAD exomes 0.00001; ExAC 0.00006; gnomAD 0.00007; TOPMed 0.00013; 1000 Genomes Project 30x 0.00016; 1000 Genomes Project 0.00020; ESP Exome Variant Server 0.00023.
gnomAD v4.1: 26 of 1,611,070 alleles (0.0016%); highest among the groups gnomAD compares: African/African-American, 0.02%; no homozygotes.

Submission:

PreventionGenetics, part of Exact Sciences
Classification: Likely benign for ITSN1-related condition. Last evaluated: 2022-12-21. Review status: no assertion criteria provided. Collection method: clinical testing. Allele origin: germline.
Comment: This variant is classified as likely benign based on ACMG/AMP sequence variant interpretation guidelines (Richards et al. 2015 PMID: 25741868, with internal and published modifications).

NM_003024.3(ITSN1):c.4980C>T (p.Cys1660=)

Gene: ITSN1 (intersectin 1; plus strand). Cytogenetic location: 21q22.11.
Variant type: single nucleotide variant.
Coding change: c.4980C>T on transcript NM_003024.3 (MANE Select); coding-DNA position 4980, C replaced by T.
Protein change: p.Cys1660=; no amino-acid change (cysteine 1660 retained).
Molecular consequence: synonymous variant.
Genome position (GRCh38, 1-based): chr21:33,886,423, C>T. VCF-style: chr21-33886423-C-T. GRCh37 (hg19) VCF-style: chr21-35258727-C-T.
Other names: c.4965C>T, p.Cys1655= (NM_001331010.2).
Identifiers: ClinVar variation 3047598 (VCV003047598.2), dbSNP rs140918080, ClinGen allele CA10012586.
Genomic context (GRCh38, chr21:33,886,423, plus strand): 5'-CCCCAAGTGGAATTCCAACTGCCAGTTCTTCATCCGAGACCTGGAGCAGGAAGTCCTCTG[C>T]ATCACTGTGTTCGAGAGGGACCAGTTCTCACCAGATGGTGAGTGGAACGCGGCCCTGTGG-3'
Protein context (NP_003015.2, residues 1650-1670): FIRDLEQEVL[Cys1660=]ITVFERDQFS